The following is an entry in ClinVar:

ClinVar aggregate classification (germline): Pathogenic. Review status: reviewed by expert panel (3 of 4 stars). 2 submissions from 2 submitters: Pathogenic (1). 1 of the submissions does not count toward it. Last evaluated 2016-10-18.

Conditions:
Breast-ovarian cancer, familial, susceptibility to, 1 (BROVCA1). Also called: BRCA1 Hereditary Breast and Ovarian Cancer; OVARIAN CANCER, SUSCEPTIBILITY TO. Identifiers: Orphanet 145, MedGen C2676676, MONDO:0011450, OMIM 604370. Disease mechanism: loss of function.

Allele frequency attached by ClinVar (database versions not stated): gnomAD exomes below 0.00001; ExAC 0.00001.

Submissions (2):

Evidence-based Network for the Interpretation of Germline Mutant Alleles (ENIGMA)
Classification: Pathogenic for Breast-ovarian cancer, familial, susceptibility to, 1. Last evaluated: 2016-10-18. Review status: reviewed by expert panel. Criteria: ENIGMA BRCA1/2 Classification Criteria (2015). Collection method: curation. Allele origin: germline.
Comment: Variant allele predicted to encode a truncated non-functional protein.

Consortium of Investigators of Modifiers of BRCA1/2 (CIMBA), c/o University of Cambridge
Classification: Pathogenic for Breast-ovarian cancer, familial, susceptibility to, 1. Last evaluated: 2015-10-02. Review status: criteria provided, single submitter. Criteria: CIMBA Mutation Classification guidelines May 2016. Collection method: clinical testing. Allele origin: germline. Not counted in ClinVar's aggregate classification.

NM_007294.4(BRCA1):c.4165_4166dup (p.Ser1389fs)

Gene: BRCA1 (BRCA1 DNA repair associated; minus strand). Cytogenetic location: 17q21.31.
Variant type: Microsatellite.
Coding change: c.4165_4166dup on transcript NM_007294.4 (MANE Select); coding-DNA positions 4165 to 4166, 2 bases duplicated (AG; older notation c.4165_4166dupAG).
Protein change: p.Ser1389fs; shifts the reading frame from serine 1389.
Molecular consequence: frameshift variant. On other transcripts: non-coding transcript variant (1).
Genome position (GRCh38, 1-based): chr17:43,090,963-43,090,964, CT duplicated on the plus strand (AG on the coding strand, the reverse complement: BRCA1 is on the minus strand); duplicating any 2 consecutive bases within chr17:43,090,963-43,090,966 gives the same sequence; the c. name uses the placement nearest the transcript's 3' end. VCF-style (leftmost placement, unchanged base first): chr17-43090962-A-ACT. GRCh37 (hg19) VCF-style: chr17-41242979-A-ACT.
Other names: 4284dupAG; c.4165_4166dupAG (NM_007294.3); c.3950_3951AG[3], p.Ser1318Argfs (NM_001407571.1, NM_001407853.1, NM_001407894.1 and 9 more transcripts); c.4163_4164AG[3], p.Ser1389Argfs (NM_001407581.1, NM_001407582.1, NM_001407583.1 and 29 more transcripts); c.4160_4161AG[3], p.Ser1388Argfs (NM_001407587.1, NM_001407590.1, NM_001407591.1 and 22 more transcripts); c.4154_4155AG[3], p.Ser1386Argfs (NM_001407646.1, NM_001407647.1); c.4040_4041AG[3], p.Ser1348Argfs (NM_001407648.1, NM_001407664.1, NM_001407665.1 and 19 more transcripts); c.4037_4038AG[3], p.Ser1347Argfs (NM_001407649.1, NM_001407670.1, NM_001407671.1 and 11 more transcripts); and 46 more; short protein forms S1389fs, S286fs, S1342fs.
Identifiers: ClinVar variation 55118 (VCV000055118.7), dbSNP rs80357572, ClinGen allele CA327913.